The following is an entry in ClinVar:

ClinVar aggregate classification (germline): Uncertain significance. Review status: criteria provided, multiple submitters, no conflicts (2 of 4 stars). 3 submissions from 3 submitters: Uncertain significance (3). Last evaluated 2024-04-16.

Conditions:
Pleuropulmonary blastoma (PPB). Identifiers: Orphanet 64742, MedGen C1266144, MONDO:0011014, OMIM 601200, HP:0100528.
Global developmental delay - lung cysts - overgrowth - Wilms tumor syndrome. Also called: GLOBAL DEVELOPMENTAL DELAY, LUNG CYSTS, OVERGROWTH, AND WILMS TUMOR; GLOW Syndrome. Identifiers: Orphanet 404476, MedGen C4748924, MONDO:0018445, OMIM 618272.
Euthyroid goiter (MNG1). Also called: Goiter, multinodular 1, with or without Sertoli-Leydig cell tumors; SIMPLE GOITER; GOITER, NONTOXIC, WITH INTRATHYROIDAL CALCIFICATION; MULTINODULAR GOITER, ADOLESCENT. Identifiers: Orphanet 276399, MedGen C0302859, MONDO:0007681, OMIM 138800, HP:0009798.
Rhabdomyosarcoma, embryonal, 2 (RMSE2). Identifiers: MedGen C1867234, MONDO:0859046, OMIM 180295.
Hereditary cancer-predisposing syndrome. Also called: Tumor predisposition; Neoplastic Syndromes, Hereditary; Hereditary Cancer Syndrome; Hereditary neoplastic syndrome. Identifiers: Orphanet 140162, MedGen C0027672, MeSH D009386, MONDO:0015356.
DICER1-related tumor predisposition. Also called: DICER1 syndrome; DICER1-related pleuropulmonary blastoma cancer predisposition syndrome. Identifiers: Orphanet 284343, MedGen C3839822, MONDO:0100216.

Submissions (3):

Fulgent Genetics
Classification: Uncertain significance for Euthyroid goiter; Rhabdomyosarcoma, embryonal, 2; Pleuropulmonary blastoma; Global developmental delay - lung cysts - overgrowth - Wilms tumor syndrome. Last evaluated: 2024-04-16. Review status: criteria provided, single submitter. Criteria: ACMG Guidelines, 2015. Collection method: clinical testing. Allele origin: germline.

Ambry Genetics
Classification: Uncertain significance for Hereditary cancer-predisposing syndrome. Last evaluated: 2020-09-24. Review status: criteria provided, single submitter. Criteria: Ambry Variant Classification Scheme 2023. Collection method: clinical testing. Allele origin: germline.
Comment: The p.T238S variant (also known as c.713C>G), located in coding exon 5 of the DICER1 gene, results from a C to G substitution at nucleotide position 713. The threonine at codon 238 is replaced by serine, an amino acid with similar properties. This amino acid position is highly conserved in available vertebrate species. In addition, this alteration is predicted to be tolerated by in silico analysis. Since supporting evidence is limited at this time, the clinical significance of this alteration remains unclear.

Labcorp Genetics (formerly Invitae), Labcorp
Classification: Uncertain significance for DICER1-related tumor predisposition. Last evaluated: 2020-01-24. Review status: criteria provided, single submitter. Criteria: Invitae Variant Classification Sherloc (09022015). Collection method: clinical testing. Allele origin: germline.
Comment: Algorithms developed to predict the effect of missense changes on protein structure and function (SIFT, PolyPhen-2, Align-GVGD) all suggest that this variant is likely to be tolerated, but these predictions have not been confirmed by published functional studies and their clinical significance is uncertain. In summary, the available evidence is currently insufficient to determine the role of this variant in disease. Therefore, it has been classified as a Variant of Uncertain Significance. This variant has not been reported in the literature in individuals with DICER1-related conditions. This sequence change replaces threonine with serine at codon 238 of the DICER1 protein (p.Thr238Ser). The threonine residue is highly conserved and there is a small physicochemical difference between threonine and serine. This variant is not present in population databases (ExAC no frequency).

NM_177438.3(DICER1):c.713C>G (p.Thr238Ser)

Gene: DICER1 (dicer 1, ribonuclease III; minus strand). Cytogenetic location: 14q32.13.
Variant type: single nucleotide variant.
Coding change: c.713C>G on transcript NM_177438.3 (MANE Select); coding-DNA position 713, C replaced by G.
Protein change: p.Thr238Ser; replaces threonine 238 with serine.
Molecular consequence: missense variant.
Genome position (GRCh38, 1-based): chr14:95,129,493, G>C on the plus strand (C>G on the coding strand, the complement: DICER1 is on the minus strand). VCF-style: chr14-95129493-G-C. GRCh37 (hg19) VCF-style: chr14-95595830-G-C.
Other names: c.713C>G, p.Thr238Ser (NM_001291628.2, NM_030621.4, NM_001195573.1 and 1 more transcripts); short protein forms T238S.
Identifiers: ClinVar variation 1056548 (VCV001056548.13), dbSNP rs2140259927, ClinGen allele CA390888000.
Genomic context (GRCh38, chr14:95,129,493, plus strand): 5'-ACTAATCTCATTAAAGCTGAGTCAATCAGAAGTGCATACCTGTCTAAGACCACCAGGTCA[G>C]TTGCAGTTTCAGCATTACTCTTAAGAATTTTCTCTAGTTTCTGAATCTTTTCTTCCAATT-3'
Protein context (NP_803187.1, residues 228-248): KILKSNAETA[Thr238Ser]DLVVLDRYTS